The following is an entry in ClinVar:

ClinVar aggregate classification (germline): Conflicting classifications of pathogenicity. Review status: criteria provided, conflicting classifications (1 of 4 stars). 3 submissions from 3 submitters: Uncertain significance (2); Likely benign (1). Last evaluated 2025-07-30.

Conditions:
Landau-Kleffner syndrome (FESD). Also called: EPILEPSY, FOCAL, WITH SPEECH DISORDER AND WITH OR WITHOUT MENTAL RETARDATION; APHASIA, ACQUIRED, WITH EPILEPSY. Identifiers: Orphanet 1945, Orphanet 725, Orphanet 98818, MedGen C0282512, MONDO:0009509, OMIM 245570.

Allele frequency attached by ClinVar (database versions not stated): gnomAD 0.00001.
gnomAD v4.1: 34 of 1,614,054 alleles (0.0021%); highest among the groups gnomAD compares: Non-Finnish European, 0.0029%; no homozygotes.

Submissions (3):

Labcorp Genetics (formerly Invitae), Labcorp
Classification: Likely benign for Landau-Kleffner syndrome. Last evaluated: 2025-07-30. Review status: criteria provided, single submitter. Criteria: Invitae Variant Classification Sherloc (09022015). Collection method: clinical testing. Allele origin: germline.

Women's Health and Genetics/Laboratory Corporation of America, LabCorp
Classification: Uncertain significance. Last evaluated: 2023-10-12. Review status: criteria provided, single submitter. Criteria: LabCorp Variant Classification Summary - May 2015. Collection method: clinical testing. Allele origin: germline.
Comment: Variant summary: GRIN2A c.3809A>T (p.Asp1270Val) results in a non-conservative amino acid change located in the Glutamate [NMDA] receptor, epsilon subunit, C-terminal domain (IPR018884) of the encoded protein sequence. Three of five in-silico tools predict a benign effect of the variant on protein function. The variant was absent in 251370 control chromosomes. The available data on variant occurrences in the general population are insufficient to allow any conclusion about variant significance. To our knowledge, no occurrence of c.3809A>T in individuals affected with Epilepsy, Focal, With Speech Disorder And With Or Without Mental Retardation and no experimental evidence demonstrating its impact on protein function have been reported. Two submitters have cited clinical-significance assessments for this variant to ClinVar after 2014. One submitter classified the variant as likely benign, and one submitter classified the variant as uncertain significance. Based on the evidence outlined above, the variant was classified as uncertain significance.

Illumina Laboratory Services, Illumina
Classification: Uncertain significance for Landau-Kleffner syndrome. Last evaluated: 2018-01-13. Review status: criteria provided, single submitter. Criteria: ICSL Variant Classification Criteria 13 December 2019. Collection method: clinical testing. Allele origin: germline.

NM_001134407.3(GRIN2A):c.3809A>T (p.Asp1270Val)

Gene: GRIN2A (glutamate ionotropic receptor NMDA type subunit 2A; minus strand). Cytogenetic location: 16p13.2.
Variant type: single nucleotide variant.
Coding change: c.3809A>T on transcript NM_001134407.3 (MANE Select); coding-DNA position 3809, A replaced by T.
Protein change: p.Asp1270Val; replaces aspartic acid 1270 with valine.
Molecular consequence: missense variant. On other transcripts: intron variant (1).
Genome position (GRCh38, 1-based): chr16:9,763,735, T>A on the plus strand (A>T on the coding strand, the complement: GRIN2A is on the minus strand). VCF-style: chr16-9763735-T-A. GRCh37 (hg19) VCF-style: chr16-9857592-T-A.
Other names: c.3809A>T, p.Asp1270Val (NM_000833.5); c.3772+37A>T (NM_001134408.2); short protein forms D1270V.
Identifiers: ClinVar variation 321600 (VCV000321600.21), dbSNP rs750649530, ClinGen allele CA10638791.